The following is an entry in ClinVar:

NM_032242.4(PLXNA1):c.1348G>A (p.Ala450Thr)

Gene: PLXNA1 (plexin A1; plus strand). Cytogenetic location: 3q21.3.
Variant type: single nucleotide variant.
Coding change: c.1348G>A on transcript NM_032242.4 (MANE Select); coding-DNA position 1348, G replaced by A.
Protein change: p.Ala450Thr; replaces alanine 450 with threonine.
Molecular consequence: missense variant.
Genome position (GRCh38, 1-based): chr3:126,991,537, G>A. VCF-style: chr3-126991537-G-A. GRCh37 (hg19) VCF-style: chr3-126710380-G-A.
Other names: short protein forms A450T.
Identifiers: ClinVar variation 4987101 (VCV004987101.1).

ClinVar aggregate classification (germline): Uncertain significance (1 of 4 stars; one submission).

Conditions:
PLXNA1-related disorder. Also called: PLXNA1-related condition.

gnomAD v4.1: 20 of 1,595,470 alleles (0.0013%); highest among the groups gnomAD compares: East Asian, 0.029%; no homozygotes.

Submission:

PreventionGenetics, part of Exact Sciences
Classification: Uncertain significance for PLXNA1-related condition. Last evaluated: 2026-01-02. Review status: criteria provided, single submitter. Criteria: ACMG Guidelines, 2015. Collection method: clinical testing. Allele origin: germline.
Comment: The PLXNA1 c.1348G>A variant is predicted to result in the amino acid substitution p.Ala450Thr. To our knowledge, this variant has not been reported in the literature. This variant is reported in 0.011% of alleles in individuals of East Asian descent in gnomAD. At this time, the clinical significance of this variant is uncertain due to the absence of conclusive functional and genetic evidence.